The following is an entry in ClinVar:

ClinVar aggregate classification (germline): Uncertain significance. Review status: criteria provided, multiple submitters, no conflicts (2 of 4 stars). 2 submissions from 2 submitters: Uncertain significance (2). Last evaluated 2024-11-13.

Conditions:
Inborn genetic diseases. Identifiers: MedGen C0950123, MeSH D030342.
Bethlem myopathy 1A. Also called: Bethlem Muscular Dystrophy; MYOPATHY, BENIGN CONGENITAL, WITH CONTRACTURES; Bethlem myopathy 1. Identifiers: Orphanet 610, MedGen CN029274, MONDO:0024530, OMIM 158810.

Allele frequency attached by ClinVar (database versions not stated): ExAC 0.00001; gnomAD exomes 0.00001 and 0.00002; gnomAD 0.00002; TOPMed 0.00003.
gnomAD v4.1: 36 of 1,600,152 alleles (0.0022%); highest among the groups gnomAD compares: Non-Finnish European, 0.0029%; no homozygotes.

Submissions (2):

Labcorp Genetics (formerly Invitae), Labcorp
Classification: Uncertain significance for Bethlem myopathy 1A. Last evaluated: 2024-11-13. Review status: criteria provided, single submitter. Criteria: Invitae Variant Classification Sherloc (09022015). Collection method: clinical testing. Allele origin: germline.
Comment: This sequence change replaces isoleucine, which is neutral and non-polar, with serine, which is neutral and polar, at codon 822 of the COL6A1 protein (p.Ile822Ser). This variant is present in population databases (rs780264446, gnomAD 0.002%). This variant has not been reported in the literature in individuals affected with COL6A1-related conditions. ClinVar contains an entry for this variant (Variation ID: 1060304). An algorithm developed to predict the effect of missense changes on protein structure and function (PolyPhen-2) suggests that this variant is likely to be tolerated. In summary, the available evidence is currently insufficient to determine the role of this variant in disease. Therefore, it has been classified as a Variant of Uncertain Significance.

Ambry Genetics
Classification: Uncertain significance for Inborn genetic diseases. Last evaluated: 2024-04-26. Review status: criteria provided, single submitter. Criteria: Ambry Variant Classification Scheme 2023. Collection method: clinical testing. Allele origin: germline.

NM_001848.3(COL6A1):c.2465T>G (p.Ile822Ser)

Gene: COL6A1 (collagen type VI alpha 1 chain; plus strand). Cytogenetic location: 21q22.3.
Variant type: single nucleotide variant.
Coding change: c.2465T>G on transcript NM_001848.3 (MANE Select); coding-DNA position 2465, T replaced by G.
Protein change: p.Ile822Ser; replaces isoleucine 822 with serine.
Molecular consequence: missense variant.
Genome position (GRCh38, 1-based): chr21:46,003,391, T>G. VCF-style: chr21-46003391-T-G. GRCh37 (hg19) VCF-style: chr21-47423305-T-G.
Other names: c.2465T>G (NM_001848.2); short protein forms I822S.
Identifiers: ClinVar variation 1060304 (VCV001060304.8), dbSNP rs780264446, ClinGen allele CA10070938.